The following is an entry in ClinVar:

ClinVar aggregate classification (germline): Uncertain significance. Review status: criteria provided, multiple submitters, no conflicts (2 of 4 stars). 3 submissions from 3 submitters: Uncertain significance (3). Last evaluated 2025-06-19.

Conditions:
Inborn genetic diseases. Identifiers: MedGen C0950123, MeSH D030342.
Fanconi anemia (FA). Also called: Fanconi's anemia. Identifiers: Orphanet 84, MedGen C0015625, MeSH D005199, MONDO:0019391.

Allele frequency attached by ClinVar (database versions not stated): gnomAD below 0.00001 and 0.00001; gnomAD exomes below 0.00001 and 0.00002; ExAC 0.00001; TOPMed 0.00001.

Submissions (3):

Ambry Genetics
Classification: Uncertain significance for Inborn genetic diseases. Last evaluated: 2025-06-19. Review status: criteria provided, single submitter. Criteria: Ambry Variant Classification Scheme 2023. Collection method: clinical testing. Allele origin: germline.
Comment: The p.F1137C variant (also known as c.3410T>G), located in coding exon 14 of the FANCM gene, results from a T to G substitution at nucleotide position 3410. The phenylalanine at codon 1137 is replaced by cysteine, an amino acid with highly dissimilar properties. This amino acid position is conserved. In addition, the in silico prediction for this alteration is inconclusive. Based on the available evidence, the clinical significance of this variant remains unclear.

GeneDx
Classification: Uncertain significance. Last evaluated: 2024-12-31. Review status: criteria provided, single submitter. Criteria: GeneDx Variant Classification Process June 2021. Collection method: clinical testing. Allele origin: germline. Affected: yes.
Comment: Not observed at significant frequency in large population cohorts (gnomAD); In silico analysis supports that this missense variant has a deleterious effect on protein structure/function; Has not been previously published as pathogenic or benign to our knowledge

Labcorp Genetics (formerly Invitae), Labcorp
Classification: Uncertain significance for Fanconi anemia. Last evaluated: 2019-10-02. Review status: criteria provided, single submitter. Criteria: Invitae Variant Classification Sherloc (09022015). Collection method: clinical testing. Allele origin: germline.
Comment: In summary, the available evidence is currently insufficient to determine the role of this variant in disease. Therefore, it has been classified as a Variant of Uncertain Significance. Algorithms developed to predict the effect of missense changes on protein structure and function are either unavailable or do not agree on the potential impact of this missense change (SIFT: "Deleterious"; PolyPhen-2: "Probably Damaging"; Align-GVGD: "Class C0"). This variant has not been reported in the literature in individuals with FANCM-related conditions. This variant is present in population databases (rs774431370, ExAC 0.006%). This sequence change replaces phenylalanine with cysteine at codon 1137 of the FANCM protein (p.Phe1137Cys). The phenylalanine residue is moderately conserved and there is a large physicochemical difference between phenylalanine and cysteine.

NM_020937.4(FANCM):c.3410T>G (p.Phe1137Cys)

Gene: FANCM (FA complementation group M; plus strand). Cytogenetic location: 14q21.2.
Variant type: single nucleotide variant.
Coding change: c.3410T>G on transcript NM_020937.4 (MANE Select); coding-DNA position 3410, T replaced by G.
Protein change: p.Phe1137Cys; replaces phenylalanine 1137 with cysteine.
Molecular consequence: missense variant.
Genome position (GRCh38, 1-based): chr14:45,176,164, T>G. VCF-style: chr14-45176164-T-G. GRCh37 (hg19) VCF-style: chr14-45645367-T-G.
Other names: c.3332T>G, p.Phe1111Cys (NM_001308133.2); short protein forms F1111C, F1137C.
Identifiers: ClinVar variation 936846 (VCV000936846.10), dbSNP rs774431370, ClinGen allele CA7169506.